The following is an entry in ClinVar:

NM_000135.4(FANCA):c.3274G>A (p.Gly1092Ser)

Gene: FANCA (FA complementation group A; minus strand). Cytogenetic location: 16q24.3.
Variant type: single nucleotide variant.
Coding change: c.3274G>A on transcript NM_000135.4 (MANE Select); coding-DNA position 3274, G replaced by A.
Protein change: p.Gly1092Ser; replaces glycine 1092 with serine.
Molecular consequence: missense variant.
Genome position (GRCh38, 1-based): chr16:89,748,733, C>T on the plus strand (G>A on the coding strand, the complement: FANCA is on the minus strand). VCF-style: chr16-89748733-C-T. GRCh37 (hg19) VCF-style: chr16-89815141-C-T.
Other names: c.3274G>A, p.Gly1092Ser (NM_001286167.3); short protein forms G1092S.
Identifiers: ClinVar variation 886369 (VCV000886369.19), dbSNP rs772828870, ClinGen allele CA8251245.
Genomic context (GRCh38, chr16:89,748,733, plus strand): 5'-CCAAGTGGAAGAACTGCTCGCATCTGGCAGTGATGGGCTGTTCTGCCTGGAAGCTGCTGC[C>T]GCAGAGGACAGACGAAGGCAGGCGGAGGAGGATCCTGGAAAGAAGGGGCTGTATTGGTGG-3'
Protein context (NP_000126.2, residues 1082-1102): LLRLPSSVLC[Gly1092Ser]SSFQAEQPIT

ClinVar aggregate classification (germline): Conflicting classifications of pathogenicity. Review status: criteria provided, conflicting classifications (1 of 4 stars). 5 submissions from 5 submitters: Uncertain significance (3); Likely benign (1). 1 of the submissions does not count toward it. Last evaluated 2024-11-20.

Conditions:
Fanconi anemia complementation group A (FANCA). Also called: FANCA-Related Fanconi Anemia; Fanconi anemia, group A. Identifiers: Orphanet 84, MedGen C3469521, MONDO:0009215, OMIM 227650.
Inborn genetic diseases. Identifiers: MedGen C0950123, MeSH D030342.
Fanconi anemia (FA). Also called: Fanconi's anemia. Identifiers: Orphanet 84, MedGen C0015625, MeSH D005199, MONDO:0019391.

Allele frequency attached by ClinVar (database versions not stated): gnomAD 0.00001; gnomAD exomes 0.00001 and 0.00002; ExAC 0.00003; TOPMed 0.00004.
gnomAD v4.1: 17 of 1,613,966 alleles (0.0011%); highest among the groups gnomAD compares: East Asian, 0.018%; no homozygotes.

Submissions (5):

Ambry Genetics
Classification: Uncertain significance for Inborn genetic diseases. Last evaluated: 2024-11-20. Review status: criteria provided, single submitter. Criteria: Ambry Variant Classification Scheme 2023. Collection method: clinical testing. Allele origin: germline.
Comment: The p.G1092S variant (also known as c.3274G>A), located in coding exon 33 of the FANCA gene, results from a G to A substitution at nucleotide position 3274. The glycine at codon 1092 is replaced by serine, an amino acid with similar properties. This amino acid position is conserved. In addition, this alteration is predicted to be tolerated by in silico analysis. Based on the available evidence, the clinical significance of this variant remains unclear.

Labcorp Genetics (formerly Invitae), Labcorp
Classification: Likely benign for Fanconi anemia. Last evaluated: 2024-09-03. Review status: criteria provided, single submitter. Criteria: Invitae Variant Classification Sherloc (09022015). Collection method: clinical testing. Allele origin: germline.

St. Jude Molecular Pathology, St. Jude Children's Research Hospital
Classification: Uncertain significance for Fanconi anemia. Last evaluated: 2022-03-17. Review status: criteria provided, single submitter. Criteria: St. Jude Assertion Criteria 2020. Collection method: clinical testing. Allele origin: germline.
Comment: The FANCA c.3274G>A (p.Gly1092Ser) missense change has a maximum subpopulation frequency of 0.025% in gnomAD v2.1.1. Five of seven in silico tools predict a benign effect of this variant on protein function (BP4), but to our knowledge these predictions have not been confirmed by functional assays. To our knowledge, this variant has not been reported in individuals with Fanconi anemia. In summary, this variant meets criteria to be classified as of uncertain significance based on the ACMG/AMP criteria: BP4.

Illumina Laboratory Services, Illumina
Classification: Uncertain significance for Fanconi anemia complementation group A. Last evaluated: 2018-01-12. Review status: criteria provided, single submitter. Criteria: ICSL Variant Classification Criteria 13 December 2019. Collection method: clinical testing. Allele origin: germline.

Natera, Inc.
Classification: Uncertain significance for Fanconi anemia. Last evaluated: 2020-02-21. Review status: no assertion criteria provided. Collection method: clinical testing. Allele origin: germline. Not counted in ClinVar's aggregate classification.